The following is an entry in ClinVar:

NM_001035.3(RYR2):c.5395G>A (p.Val1799Ile)

Gene: RYR2 (ryanodine receptor 2; plus strand). Cytogenetic location: 1q43.
Variant type: single nucleotide variant.
Coding change: c.5395G>A on transcript NM_001035.3 (MANE Select); coding-DNA position 5395, G replaced by A.
Protein change: p.Val1799Ile; replaces valine 1799 with isoleucine.
Molecular consequence: missense variant.
Genome position (GRCh38, 1-based): chr1:237,614,523, G>A. VCF-style: chr1-237614523-G-A. GRCh37 (hg19) VCF-style: chr1-237777823-G-A.
Other names: short protein forms V1799I.
Identifiers: ClinVar variation 3690553 (VCV003690553.2).

ClinVar aggregate classification (germline): Uncertain significance (1 of 4 stars; one submission).

Conditions:
Catecholaminergic polymorphic ventricular tachycardia 1. Also called: VENTRICULAR TACHYCARDIA, STRESS-INDUCED POLYMORPHIC 1; VENTRICULAR TACHYCARDIA, CATECHOLAMINERGIC POLYMORPHIC, 1, WITH OR WITHOUT ATRIAL DYSFUNCTION AND/OR DILATED CARDIOMYOPATHY; RYR2-Related Catecholaminergic Polymorphic Ventricular Tachycardia. Identifiers: Orphanet 3286, MedGen C1631597, MONDO:0011484, OMIM 604772.

Submission:

Labcorp Genetics (formerly Invitae), Labcorp
Classification: Uncertain significance for Catecholaminergic polymorphic ventricular tachycardia 1. Last evaluated: 2024-06-04. Review status: criteria provided, single submitter. Criteria: Invitae Variant Classification Sherloc (09022015). Collection method: clinical testing. Allele origin: germline.
Comment: This sequence change replaces valine, which is neutral and non-polar, with isoleucine, which is neutral and non-polar, at codon 1799 of the RYR2 protein (p.Val1799Ile). This variant is not present in population databases (gnomAD no frequency). This variant has not been reported in the literature in individuals affected with RYR2-related conditions. Advanced modeling of protein sequence and biophysical properties (such as structural, functional, and spatial information, amino acid conservation, physicochemical variation, residue mobility, and thermodynamic stability) performed at Invitae indicates that this missense variant is not expected to disrupt RYR2 protein function with a negative predictive value of 95%. In summary, the available evidence is currently insufficient to determine the role of this variant in disease. Therefore, it has been classified as a Variant of Uncertain Significance.